The following is an entry in ClinVar:

NM_080680.3(COL11A2):c.4952T>C (p.Val1651Ala)

Gene: COL11A2 (collagen type XI alpha 2 chain; minus strand). Cytogenetic location: 6p21.32.
Variant type: single nucleotide variant.
Coding change: c.4952T>C on transcript NM_080680.3 (MANE Select); coding-DNA position 4952, T replaced by C.
Protein change: p.Val1651Ala; replaces valine 1651 with alanine.
Molecular consequence: missense variant.
Genome position (GRCh38, 1-based): chr6:33,164,385, A>G on the plus strand (T>C on the coding strand, the complement: COL11A2 is on the minus strand). VCF-style: chr6-33164385-A-G. GRCh37 (hg19) VCF-style: chr6-33132162-A-G.
Other names: c.4631T>C, p.Val1544Ala (NM_080679.3); c.4694T>C, p.Val1565Ala (NM_080681.3); short protein forms V1565A, V1651A, V1544A.
Identifiers: ClinVar variation 1392771 (VCV001392771.7), dbSNP rs1350210126, ClinGen allele CA363616275.
Genomic context (GRCh38, chr6:33,164,385, plus strand): 5'-TCATTGGCCCCACGGAGTCTCAGGGGACCGTCACGGGCTGCTCCAGAGCAGGGGTAGGAG[A>G]CGTCCTGGTGGGCTGAGACGCTGAGCAGCCGCAGGAAGGTGAGCTGGACCACACCCACTG-3'
Protein context (NP_542411.2, residues 1641-1661): RLLSVSAHQD[Val1651Ala]SYPCSGAARD

ClinVar aggregate classification (germline): Uncertain significance. Review status: criteria provided, multiple submitters, no conflicts (2 of 4 stars). 2 submissions from 2 submitters: Uncertain significance (2). Last evaluated 2022-10-04.

Allele frequency attached by ClinVar (database versions not stated): gnomAD exomes below 0.00001.

Submissions (2):

Labcorp Genetics (formerly Invitae), Labcorp
Classification: Uncertain significance. Last evaluated: 2022-10-04. Review status: criteria provided, single submitter. Criteria: Invitae Variant Classification Sherloc (09022015). Collection method: clinical testing. Allele origin: germline.
Comment: This variant has not been reported in the literature in individuals affected with COL11A2-related conditions. In summary, the available evidence is currently insufficient to determine the role of this variant in disease. Therefore, it has been classified as a Variant of Uncertain Significance. Advanced modeling of protein sequence and biophysical properties (such as structural, functional, and spatial information, amino acid conservation, physicochemical variation, residue mobility, and thermodynamic stability) performed at Invitae indicates that this missense variant is not expected to disrupt COL11A2 protein function. ClinVar contains an entry for this variant (Variation ID: 1392771). This variant is present in population databases (no rsID available, gnomAD 0.0009%). This sequence change replaces valine, which is neutral and non-polar, with alanine, which is neutral and non-polar, at codon 1651 of the COL11A2 protein (p.Val1651Ala).

Blueprint Genetics
Classification: Uncertain significance. Last evaluated: 2021-10-26. Review status: criteria provided, single submitter. Criteria: ACMG Guidelines, 2015. Collection method: clinical testing. Allele origin: germline.